The following is an entry in ClinVar:

ClinVar aggregate classification (germline): Uncertain significance (1 of 4 stars; one submission).

Submission:

Labcorp Genetics (formerly Invitae), Labcorp
Classification: Uncertain significance. Last evaluated: 2022-06-18. Review status: criteria provided, single submitter. Criteria: Invitae Variant Classification Sherloc (09022015). Collection method: clinical testing. Allele origin: germline.
Comment: This sequence change replaces valine, which is neutral and non-polar, with leucine, which is neutral and non-polar, at codon 334 of the GABRA2 protein (p.Val334Leu). In summary, the available evidence is currently insufficient to determine the role of this variant in disease. Therefore, it has been classified as a Variant of Uncertain Significance. Algorithms developed to predict the effect of missense changes on protein structure and function are either unavailable or do not agree on the potential impact of this missense change (SIFT: "Not Available"; PolyPhen-2: "Probably Damaging"; Align-GVGD: "Not Available"). This variant has not been reported in the literature in individuals affected with GABRA2-related conditions. This variant is not present in population databases (gnomAD no frequency).

NM_000807.4(GABRA2):c.1000G>C (p.Val334Leu)

Gene: GABRA2 (gamma-aminobutyric acid type A receptor subunit alpha2; minus strand). Cytogenetic location: 4p12.
Variant type: single nucleotide variant.
Coding change: c.1000G>C on transcript NM_000807.4 (MANE Select); coding-DNA position 1000, G replaced by C.
Protein change: p.Val334Leu; replaces valine 334 with leucine.
Molecular consequence: missense variant.
Genome position (GRCh38, 1-based): chr4:46,261,985, C>G on the plus strand (G>C on the coding strand, the complement: GABRA2 is on the minus strand). VCF-style: chr4-46261985-C-G. GRCh37 (hg19) VCF-style: chr4-46264002-C-G.
Other names: c.1000G>C, p.Val334Leu (NM_001114175.3, NM_001330690.2, NM_001377144.1 and 8 more transcripts); c.835G>C, p.Val279Leu (NM_001286827.3, NM_001377152.1, NM_001377153.1 and 1 more transcripts); short protein forms V279L, V334L.
Identifiers: ClinVar variation 2008063 (VCV002008063.4), dbSNP rs2475295511, ClinGen allele CA356804238.